The following is an entry in ClinVar:

ClinVar aggregate classification (germline): Benign/Likely benign. Review status: criteria provided, multiple submitters, no conflicts (2 of 4 stars). 5 submissions from 5 submitters: Benign (2); Likely benign (3). Last evaluated 2026-04-02.

Allele frequency attached by ClinVar (database versions not stated): gnomAD exomes 0.00028 and 0.00072; ExAC 0.00083; gnomAD 0.00316 and 0.00341; TOPMed 0.00346; 1000 Genomes Project 0.00359; ESP Exome Variant Server 0.00384; 1000 Genomes Project 30x 0.00390.
gnomAD v4.1: 907 of 1,613,976 alleles (0.056%); highest among the groups gnomAD compares: African/African-American, 1.1%; 8 homozygotes.

Submissions (5):

Women's Health and Genetics/Laboratory Corporation of America, LabCorp
Classification: Likely benign. Last evaluated: 2026-04-02. Review status: criteria provided, single submitter. Criteria: LabCorp Variant Classification Summary - May 2015. Collection method: clinical testing. Allele origin: germline.
Comment: Variant summary: NLRP1 c.1342A>G (p.Ile448Val) results in a conservative amino acid change in the encoded protein sequence. Algorithms developed to predict the effect of missense changes on protein structure and function all suggest that this variant is likely to be tolerated. The variant allele was found at a frequency of 0.00072 in 250542 control chromosomes, predominantly at a frequency of 0.0096 within the African or African-American subpopulation in the gnomAD database, including 1 homozygote. The observed variant frequency within African or African-American control individuals in the gnomAD database exceeds the estimated maximal expected allele frequency for disease-causing variants in NLRP1. To our knowledge, no occurrence of c.1342A>G in individuals affected with NLRP1-related conditions and no experimental evidence demonstrating its impact on protein function have been reported. ClinVar contains an entry for this variant (Variation ID: 720844). Based on the evidence outlined above, the variant was classified as likely benign.

Labcorp Genetics (formerly Invitae), Labcorp
Classification: Benign. Last evaluated: 2026-01-17. Review status: criteria provided, single submitter. Criteria: Invitae Variant Classification Sherloc (09022015). Collection method: clinical testing. Allele origin: germline.

CeGaT Center for Human Genetics Tuebingen
Classification: Likely benign. Last evaluated: 2025-10-01. Review status: criteria provided, single submitter. Criteria: CeGaT Center For Human Genetics Tuebingen Variant Classification Criteria Version 2. Collection method: clinical testing. Allele origin: germline. Affected: yes. Observed: 1 variant allele.
Comment: NLRP1: BP4, BS1

Blueprint Genetics
Classification: Likely benign. Last evaluated: 2024-10-24. Review status: criteria provided, single submitter. Criteria: ACMG Guidelines, 2015. Collection method: clinical testing. Allele origin: germline.

Breakthrough Genomics
Classification: Benign. Review status: criteria provided, single submitter. Criteria: ACMG Guidelines, 2015. Collection method: not provided. Allele origin: germline. Inheritance: Autosomal recessive inheritance. Affected: yes.

NM_033004.4(NLRP1):c.1342A>G (p.Ile448Val)

Gene: NLRP1 (NLR family pyrin domain containing 1; minus strand). Cytogenetic location: 17p13.2.
Variant type: single nucleotide variant.
Coding change: c.1342A>G on transcript NM_033004.4 (MANE Select); coding-DNA position 1342, A replaced by G.
Protein change: p.Ile448Val; replaces isoleucine 448 with valine.
Molecular consequence: missense variant.
Genome position (GRCh38, 1-based): chr17:5,559,354, T>C on the plus strand (A>G on the coding strand, the complement: NLRP1 is on the minus strand). VCF-style: chr17-5559354-T-C. GRCh37 (hg19) VCF-style: chr17-5462674-T-C.
Other names: c.1342A>G, p.Ile448Val (NM_001033053.3, NM_014922.5, NM_033006.4 and 1 more transcripts); short protein forms I448V.
Identifiers: ClinVar variation 720844 (VCV000720844.20), dbSNP rs75791559, ClinGen allele CA8327383.